The following is an entry in ClinVar:

ClinVar aggregate classification (germline): Benign/Likely benign. Review status: criteria provided, multiple submitters, no conflicts (2 of 4 stars). 7 submissions from 7 submitters: Benign (3); Likely benign (3). 1 of the submissions does not count toward it. Last evaluated 2026-09-01.

Conditions:
FAT4-related disorder. Also called: FAT4-related condition.

Allele frequency attached by ClinVar (database versions not stated): 1000 Genomes Project 30x 0.00344; 1000 Genomes Project 0.00359; gnomAD 0.00362 and 0.00365; TOPMed 0.00408; gnomAD exomes 0.00495; ESP Exome Variant Server 0.00500; ExAC 0.00508.
gnomAD v4.1: 7,861 of 1,613,850 alleles (0.49%); highest among the groups gnomAD compares: Middle Eastern, 1.9%; 31 homozygotes.

Submissions (7):

CeGaT Center for Human Genetics Tuebingen
Classification: Likely benign. Last evaluated: 2026-09-01. Review status: criteria provided, single submitter. Criteria: CeGaT Center For Human Genetics Tuebingen Variant Classification Criteria Version 2. Collection method: clinical testing. Allele origin: germline. Affected: yes. Observed: 28 variant alleles.
Comment: FAT4: BP4, BP7, BS2

Labcorp Genetics (formerly Invitae), Labcorp
Classification: Benign. Last evaluated: 2026-02-01. Review status: criteria provided, single submitter. Criteria: Invitae Variant Classification Sherloc (09022015). Collection method: clinical testing. Allele origin: germline.

ARUP Laboratories, Molecular Genetics and Genomics, ARUP Laboratories
Classification: Benign. Last evaluated: 2023-09-07. Review status: criteria provided, single submitter. Criteria: ARUP Molecular Germline Variant Investigation Process 2024. Collection method: clinical testing. Allele origin: germline.

Genetic Services Laboratory, University of Chicago
Classification: Likely benign. Last evaluated: 2018-06-05. Review status: criteria provided, single submitter. Criteria: ACMG Guidelines, 2015. Collection method: clinical testing. Allele origin: germline. Affected: no.

GeneDx
Classification: Benign. Last evaluated: 2016-07-05. Review status: criteria provided, single submitter. Criteria: GeneDx Variant Classification (06012015). Collection method: clinical testing. Allele origin: germline. Affected: yes.
Comment: This variant is considered likely benign or benign based on one or more of the following criteria: it is a conservative change, it occurs at a poorly conserved position in the protein, it is predicted to be benign by multiple in silico algorithms, and/or has population frequency not consistent with disease.

Breakthrough Genomics
Classification: Likely benign. Review status: criteria provided, single submitter. Criteria: ACMG Guidelines, 2015. Collection method: not provided. Allele origin: germline. Inheritance: Autosomal recessive inheritance. Affected: yes.

PreventionGenetics, part of Exact Sciences
Classification: Benign for FAT4-related condition. Last evaluated: 2019-05-15. Review status: no assertion criteria provided. Collection method: clinical testing. Allele origin: germline. Not counted in ClinVar's aggregate classification.
Comment: This variant is classified as benign based on ACMG/AMP sequence variant interpretation guidelines (Richards et al. 2015 PMID: 25741868, with internal and published modifications).

NM_001291303.3(FAT4):c.12855T>C (p.Asp4285=)

Gene: FAT4 (FAT atypical cadherin 4; plus strand). Cytogenetic location: 4q28.1.
Variant type: single nucleotide variant.
Coding change: c.12855T>C on transcript NM_001291303.3 (MANE Select); coding-DNA position 12855, T replaced by C.
Protein change: p.Asp4285=; no amino-acid change (aspartic acid 4285 retained).
Molecular consequence: synonymous variant.
Genome position (GRCh38, 1-based): chr4:125,487,377, T>C. VCF-style: chr4-125487377-T-C. GRCh37 (hg19) VCF-style: chr4-126408532-T-C.
Other names: c.12855T>C, p.Asp4285= (NM_001291285.3); c.12849T>C, p.Asp4283= (NM_024582.6).
Identifiers: ClinVar variation 380888 (VCV000380888.58), dbSNP rs78040862, ClinGen allele CA3074216.